The following is an entry in ClinVar:

NM_014727.3(KMT2B):c.1471G>A (p.Gly491Ser)

Gene: KMT2B (lysine methyltransferase 2B; plus strand). Cytogenetic location: 19q13.12.
Variant type: single nucleotide variant.
Coding change: c.1471G>A on transcript NM_014727.3 (MANE Select); coding-DNA position 1471, G replaced by A.
Protein change: p.Gly491Ser; replaces glycine 491 with serine.
Molecular consequence: missense variant.
Genome position (GRCh38, 1-based): chr19:35,720,818, G>A. VCF-style: chr19-35720818-G-A. GRCh37 (hg19) VCF-style: chr19-36211720-G-A.
Other names: short protein forms G491S.
Identifiers: ClinVar variation 1186079 (VCV001186079.13), dbSNP rs185072239, ClinGen allele CA9384230.
Genomic context (GRCh38, chr19:35,720,818, plus strand): 5'-CGGCCTCCCCTGACTCCCAGCCAGCGGGCGGAGCGGGAAGCTGCTCGGGCAGGGCCAGAG[G>A]GCACCTCTCCTCCCACTCCAACCCCCAGCACCGCCACGGGAGGCCCTCCGGAAGACAGTC-3'
Protein context (NP_055542.1, residues 481-501): EREAARAGPE[Gly491Ser]TSPPTPTPST

ClinVar aggregate classification (germline): Benign/Likely benign. Review status: criteria provided, multiple submitters, no conflicts (2 of 4 stars). 4 submissions from 4 submitters: Benign (1); Likely benign (2). 1 of the submissions does not count toward it. Last evaluated 2026-01-28.

Conditions:
KMT2B-related disorder. Also called: KMT2B-related condition; KMT2B-related disorders. Identifiers: MedGen CN381338.

Allele frequency attached by ClinVar (database versions not stated): gnomAD exomes 0.00053 and 0.00116; ExAC 0.00413; ESP Exome Variant Server 0.00423; gnomAD 0.00510 and 0.00555; 1000 Genomes Project 30x 0.00578; TOPMed 0.00585; 1000 Genomes Project 0.00619.
gnomAD v4.1: 1,557 of 1,531,818 alleles (0.1%); highest among the groups gnomAD compares: African/African-American, 1.8%; 15 homozygotes.

Submissions (4):

Labcorp Genetics (formerly Invitae), Labcorp
Classification: Benign. Last evaluated: 2026-01-28. Review status: criteria provided, single submitter. Criteria: Invitae Variant Classification Sherloc (09022015). Collection method: clinical testing. Allele origin: germline.

Blueprint Genetics
Classification: Likely benign. Last evaluated: 2024-10-14. Review status: criteria provided, single submitter. Criteria: ACMG Guidelines, 2015. Collection method: clinical testing. Allele origin: germline.

GeneDx
Classification: Likely benign. Last evaluated: 2020-05-18. Review status: criteria provided, single submitter. Criteria: GeneDx Variant Classification Process June 2021. Collection method: clinical testing. Allele origin: germline. Affected: yes.

PreventionGenetics, part of Exact Sciences
Classification: Benign for KMT2B-related condition. Last evaluated: 2019-04-05. Review status: no assertion criteria provided. Collection method: clinical testing. Allele origin: germline. Not counted in ClinVar's aggregate classification.
Comment: This variant is classified as benign based on ACMG/AMP sequence variant interpretation guidelines (Richards et al. 2015 PMID: 25741868, with internal and published modifications).